The following is an entry in ClinVar:

ClinVar aggregate classification (germline): Pathogenic. Review status: criteria provided, single submitter (1 of 4 stars). 2 submissions from 2 submitters: Pathogenic (1). 1 of the submissions does not count toward it. Last evaluated 2019-07-29.

Conditions:
Developmental and epileptic encephalopathy, 13 (DEE13). Also called: Early infantile epileptic encephalopathy 13; SCN8A-Related Epilepsy; Developmental and Epileptic Encephalopathy (SCN8A-DEE). Identifiers: Orphanet 442835, MedGen C3281191, MONDO:0013801, OMIM 614558.

Submissions (2):

Institute of Human Genetics, University of Leipzig Medical Center
Classification: Pathogenic for Developmental and epileptic encephalopathy, 13. Last evaluated: 2019-07-29. Review status: criteria provided, single submitter. Criteria: ACMG Guidelines, 2015. Collection method: clinical testing. Allele origin: de novo. Affected: yes. Observed: 1 variant allele.
Comment: This variant was identified as de novo (maternity and paternity confirmed).

GeneReviews
No classification provided. Condition: Developmental and epileptic encephalopathy, 13. Review status: no classification provided. Collection method: literature only. Allele origin: germline. Affected: yes. Not counted in ClinVar's aggregate classification.

Literature cited by the submitters: PubMed 25568300 (cited by GeneReviews); NCBI Bookshelf NBK379665 (cited by GeneReviews).

NM_001330260.2(SCN8A):c.2879T>A (p.Val960Asp)

Gene: SCN8A (sodium voltage-gated channel alpha subunit 8; plus strand). Cytogenetic location: 12q13.13.
Variant type: single nucleotide variant.
Coding change: c.2879T>A on transcript NM_001330260.2 (MANE Select); coding-DNA position 2879, T replaced by A.
Protein change: p.Val960Asp; replaces valine 960 with aspartic acid.
Molecular consequence: missense variant.
Genome position (GRCh38, 1-based): chr12:51,766,005, T>A. VCF-style: chr12-51766005-T-A. GRCh37 (hg19) VCF-style: chr12-52159789-T-A.
Other names: c.2879T>A, p.Val960Asp (NM_001177984.3, NM_001369788.1, NM_014191.4); short protein forms V960D.
Identifiers: ClinVar variation 253287 (VCV000253287.4), dbSNP rs879255703, ClinGen allele CA10586294.